The following is an entry in ClinVar:

NM_181836.6(TMED7):c.640_641del (p.Ser213_Asp214insTer)

Genes: TICAM2-AS1 (TICAM2 antisense RNA 1; plus strand), TMED7 (transmembrane p24 trafficking protein 7; minus strand), TMED7-TICAM2 (TMED7-TICAM2 readthrough; minus strand). Cytogenetic location: 5q22.3.
Variant type: Deletion.
Coding change: c.640_641del on transcript NM_181836.6 (MANE Select); coding-DNA positions 640 to 641, 2 bases deleted (GA; older notation c.640_641delGA).
Protein change: p.Ser213_Asp214insTer.
Molecular consequence: nonsense. On other transcripts: intron variant (2).
Genome position (GRCh38, 1-based): chr5:115,616,243-115,616,244, TC deleted on the plus strand (GA on the coding strand, the reverse complement: TMED7 is on the minus strand); deleting any 2 consecutive bases within chr5:115,616,243-115,616,245 gives the same sequence; the c. name uses the placement nearest the transcript's 3' end. VCF-style (leftmost placement, unchanged base first): chr5-115616242-ATC-A. GRCh37 (hg19) VCF-style: chr5-114951939-ATC-A.
Other names: c.566+74_566+75del (NM_001164468.4, NM_001164469.4).
Identifiers: ClinVar variation 4770561 (VCV004770561.1).
Genomic context (GRCh38, chr5:115,616,242, plus strand): 5'-AATGGTGCATCAATTCTCAAAACGTAGTTATGATCCAACACGAGTTGTGGTGGTTCTTTT[ATC>A]TGAGAAAAAGCTTTTCAAAAGAAATACCTGCCCTATGCTAACCACCAGAAGAATGAGGGC-3'

ClinVar aggregate classification (germline): Uncertain significance (1 of 4 stars; one submission).

Submission:

Labcorp Genetics (formerly Invitae), Labcorp
Classification: Uncertain significance. Last evaluated: 2025-06-17. Review status: criteria provided, single submitter. Criteria: Invitae Variant Classification Sherloc (09022015). Collection method: clinical testing. Allele origin: germline.
Comment: This sequence change creates a premature translational stop signal (p.Asp214*) in the TMED7 gene. While this is not anticipated to result in nonsense mediated decay, it is expected to disrupt the last 11 amino acid(s) of the TMED7 protein. This variant is not present in population databases (gnomAD no frequency). This variant has not been reported in the literature in individuals affected with TMED7-related conditions. Experimental studies and prediction algorithms are not available or were not evaluated, and the functional significance of this variant is currently unknown. In summary, the available evidence is currently insufficient to determine the role of this variant in disease. Therefore, it has been classified as a Variant of Uncertain Significance.